The following is an entry in ClinVar:

ClinVar aggregate classification (germline): Uncertain significance. Review status: criteria provided, multiple submitters, no conflicts (2 of 4 stars). 2 submissions from 2 submitters: Uncertain significance (2). Last evaluated 2026-04-20.

Conditions:
Hereditary cancer-predisposing syndrome. Also called: Hereditary neoplastic syndrome; Neoplastic Syndromes, Hereditary; Tumor predisposition; Hereditary Cancer Syndrome. Identifiers: Orphanet 140162, MedGen C0027672, MeSH D009386, MONDO:0015356.

Submissions (2):

Ambry Genetics
Classification: Uncertain significance for Hereditary cancer-predisposing syndrome. Last evaluated: 2026-04-20. Review status: criteria provided, single submitter. Criteria: Ambry Variant Classification Scheme 2023. Collection method: clinical testing. Allele origin: germline.
Comment: The p.P232R variant (also known as c.695C>G), located in coding exon 5 of the CTNNA1 gene, results from a C to G substitution at nucleotide position 695. The proline at codon 232 is replaced by arginine, an amino acid with dissimilar properties. This amino acid position is conserved. In addition, this alteration is predicted to be deleterious by in silico analysis. Based on the available evidence, the clinical significance of this variant remains unclear.

Labcorp Genetics (formerly Invitae), Labcorp
Classification: Uncertain significance. Last evaluated: 2023-07-15. Review status: criteria provided, single submitter. Criteria: Invitae Variant Classification Sherloc (09022015). Collection method: clinical testing. Allele origin: germline.
Comment: In summary, the available evidence is currently insufficient to determine the role of this variant in disease. Therefore, it has been classified as a Variant of Uncertain Significance. Advanced modeling of protein sequence and biophysical properties (such as structural, functional, and spatial information, amino acid conservation, physicochemical variation, residue mobility, and thermodynamic stability) performed at Invitae indicates that this missense variant is expected to disrupt CTNNA1 protein function. This variant has not been reported in the literature in individuals affected with CTNNA1-related conditions. This variant is not present in population databases (gnomAD no frequency). This sequence change replaces proline, which is neutral and non-polar, with arginine, which is basic and polar, at codon 232 of the CTNNA1 protein (p.Pro232Arg).

NM_001903.5(CTNNA1):c.695C>G (p.Pro232Arg)

Gene: CTNNA1 (catenin alpha 1; plus strand). Cytogenetic location: 5q31.2.
Variant type: single nucleotide variant.
Coding change: c.695C>G on transcript NM_001903.5 (MANE Select); coding-DNA position 695, C replaced by G.
Protein change: p.Pro232Arg; replaces proline 232 with arginine.
Molecular consequence: missense variant.
Genome position (GRCh38, 1-based): chr5:138,824,636, C>G. VCF-style: chr5-138824636-C-G. GRCh37 (hg19) VCF-style: chr5-138160325-C-G.
Other names: c.695C>G (NM_001903.2); c.695C>G, p.Pro232Arg (NM_001290307.3, NM_001323982.2, NM_001323983.1 and 3 more transcripts); c.386C>G, p.Pro129Arg (NM_001290309.3); c.326C>G, p.Pro109Arg (NM_001290310.3); short protein forms P129R, P109R, P232R.
Identifiers: ClinVar variation 2978601 (VCV002978601.4), dbSNP rs2149775973, ClinGen allele CA361129754.
Genomic context (GRCh38, chr5:138,824,636, plus strand): 5'-GAATCCTGCAGAAGAACGTTCCGATCCTCTATACTGCATCCCAGGCATGCCTACAGCACC[C>G]TGATGTCGCAGCCTATAAGGCCAACAGGGACCTGATATACAAGCAGCTGCAGCAGGCGGT-3'
Protein context (NP_001894.2, residues 222-242): YTASQACLQH[Pro232Arg]DVAAYKANRD